The following is an entry in ClinVar:

ClinVar aggregate classification (germline): Benign (1 of 4 stars; one submission).

Submission:

Unidad de Genómica Garrahan, Hospital de Pediatría Garrahan
Classification: Benign. Last evaluated: 2024-01-24. Review status: criteria provided, single submitter. Criteria: ACMG Guidelines, 2015. Collection method: clinical testing. Allele origin: germline. Affected: no. Observed: 31 variant alleles.
Comment: This variant is classified as Benign based on local population frequency. This variant was detected in 33% of patients studied by a panel of primary immunodeficiencies. Number of patients: 31. Only high quality variants are reported.

NM_004706.4(ARHGEF1):c.1839+122_1839+123insGG

Gene: ARHGEF1 (Rho guanine nucleotide exchange factor 1; plus strand). Cytogenetic location: 19q13.2.
Variant type: Insertion.
Coding change: c.1839+122_1839+123insGG on transcript NM_004706.4 (MANE Select); bases 122 to 123 of the intron after coding-DNA position 1839, GG inserted.
Molecular consequence: intron variant.
Genome position: GRCh38 VCF-style: chr19-41903528-T-TGG. GRCh37 (hg19) VCF-style: chr19-42407678-T-TGG.
Other names: c.1839+122_1839+123insGG (NM_001396003.1, NM_001396006.1); c.1740+122_1740+123insGG (NM_001396002.1, NM_198977.2, NM_001396004.1); c.2007+122_2007+123insGG (NM_001396000.1); c.1884+122_1884+123insGG (NM_199002.2).
Identifiers: ClinVar variation 2688223 (VCV002688223.2), dbSNP rs2513897684, ClinGen allele CA2697556607.
Genomic context (GRCh38, chr19:41,903,528, plus strand): 5'-CTACCTCAGCCTGTCCAGAAGTCACACCCCACCCCTTGGCTTGTCTCCCTCAAGGGTCAC[T>TGG]GTGTCCAGGGGTTGGCTTGGCCCTCAGCATCTCCCTCTCAGGGTCATTGGAGGTCAGGCC-3'